The following is an entry in ClinVar:

NM_018993.4(RIN2):c.2521G>A (p.Asp841Asn)

Gene: RIN2 (Ras and Rab interactor 2; plus strand). Cytogenetic location: 20p11.23.
Variant type: single nucleotide variant.
Coding change: c.2521G>A on transcript NM_018993.4 (MANE Select); coding-DNA position 2521, G replaced by A.
Protein change: p.Asp841Asn; replaces aspartic acid 841 with asparagine.
Molecular consequence: missense variant.
Genome position (GRCh38, 1-based): chr20:20,000,769, G>A. VCF-style: chr20-20000769-G-A. GRCh37 (hg19) VCF-style: chr20-19981413-G-A.
Other names: c.2668G>A, p.Asp890Asn (NM_001242581.2); c.1903G>A, p.Asp635Asn (NM_001378238.1); short protein forms D635N, D841N, D890N.
Identifiers: ClinVar variation 1311827 (VCV001311827.2), dbSNP rs2146439961, ClinGen allele CA408367726.

ClinVar aggregate classification (germline): Uncertain significance (1 of 4 stars; one submission).

Submission:

GeneDx
Classification: Uncertain significance. Last evaluated: 2020-01-14. Review status: criteria provided, single submitter. Criteria: GeneDx Variant Classification Process June 2021. Collection method: clinical testing. Allele origin: germline. Affected: yes.
Comment: Not observed in large population cohorts (Lek et al., 2016); In silico analysis, which includes protein predictors and evolutionary conservation, supports a deleterious effect; Has not been previously published as pathogenic or benign to our knowledge